The following is an entry in ClinVar:

ClinVar aggregate classification (germline): Uncertain significance. Review status: criteria provided, multiple submitters, no conflicts (2 of 4 stars). 2 submissions from 2 submitters: Uncertain significance (2). Last evaluated 2023-10-08.

Conditions:
Hereditary cancer-predisposing syndrome. Also called: Tumor predisposition; Neoplastic Syndromes, Hereditary; Hereditary Cancer Syndrome; Hereditary neoplastic syndrome. Identifiers: Orphanet 140162, MedGen C0027672, MeSH D009386, MONDO:0015356.
DICER1-related tumor predisposition. Also called: DICER1-related pleuropulmonary blastoma cancer predisposition syndrome; DICER1 syndrome. Identifiers: Orphanet 284343, MedGen C3839822, MONDO:0100216.

Submissions (2):

Labcorp Genetics (formerly Invitae), Labcorp
Classification: Uncertain significance for DICER1-related tumor predisposition. Last evaluated: 2023-10-08. Review status: criteria provided, single submitter. Criteria: Invitae Variant Classification Sherloc (09022015). Collection method: clinical testing. Allele origin: germline.
Comment: This sequence change replaces lysine, which is basic and polar, with glutamine, which is neutral and polar, at codon 486 of the DICER1 protein (p.Lys486Gln). This variant is not present in population databases (gnomAD no frequency). This variant has not been reported in the literature in individuals affected with DICER1-related conditions. ClinVar contains an entry for this variant (Variation ID: 1773054). An algorithm developed to predict the effect of missense changes on protein structure and function (PolyPhen-2) suggests that this variant is likely to be disruptive. In summary, the available evidence is currently insufficient to determine the role of this variant in disease. Therefore, it has been classified as a Variant of Uncertain Significance.

Ambry Genetics
Classification: Uncertain significance for Hereditary cancer-predisposing syndrome. Last evaluated: 2020-09-03. Review status: criteria provided, single submitter. Criteria: Ambry Variant Classification Scheme 2023. Collection method: clinical testing. Allele origin: germline.
Comment: The p.K486Q variant (also known as c.1456A>C), located in coding exon 8 of the DICER1 gene, results from an A to C substitution at nucleotide position 1456. The lysine at codon 486 is replaced by glutamine, an amino acid with similar properties. This amino acid position is highly conserved in available vertebrate species. In addition, the in silico prediction for this alteration is inconclusive. Since supporting evidence is limited at this time, the clinical significance of this alteration remains unclear.

NM_177438.3(DICER1):c.1456A>C (p.Lys486Gln)

Gene: DICER1 (dicer 1, ribonuclease III; minus strand). Cytogenetic location: 14q32.13.
Variant type: single nucleotide variant.
Coding change: c.1456A>C on transcript NM_177438.3 (MANE Select); coding-DNA position 1456, A replaced by C.
Protein change: p.Lys486Gln; replaces lysine 486 with glutamine.
Molecular consequence: missense variant. On other transcripts: 5 prime UTR variant (1), non-coding transcript variant (6).
Genome position (GRCh38, 1-based): chr14:95,117,675, T>G on the plus strand (A>C on the coding strand, the complement: DICER1 is on the minus strand). VCF-style: chr14-95117675-T-G. GRCh37 (hg19) VCF-style: chr14-95584012-T-G.
Other names: c.1456A>C, p.Lys486Gln (NM_001195573.1, NM_001271282.3, NM_001291628.2 and 13 more transcripts); c.1174A>C, p.Lys392Gln (NM_001395686.1); c.1051A>C, p.Lys351Gln (NM_001395687.1, NM_001395688.1, NM_001395689.1 and 3 more transcripts); c.889A>C, p.Lys297Gln (NM_001395691.1); c.-113A>C (NM_001395697.1); short protein forms K351Q, K392Q, K297Q, K486Q.
Identifiers: ClinVar variation 1773054 (VCV001773054.5), dbSNP rs2543061777, ClinGen allele CA390885532.